The following is an entry in ClinVar:

ClinVar aggregate classification (germline): Uncertain significance (1 of 4 stars; one submission).

Conditions:
Hereditary cancer-predisposing syndrome. Also called: Tumor predisposition; Hereditary Cancer Syndrome; Hereditary neoplastic syndrome; Neoplastic Syndromes, Hereditary. Identifiers: Orphanet 140162, MedGen C0027672, MeSH D009386, MONDO:0015356.

Submission:

Ambry Genetics
Classification: Uncertain significance for Hereditary cancer-predisposing syndrome. Last evaluated: 2025-10-01. Review status: criteria provided, single submitter. Criteria: Ambry Variant Classification Scheme 2023. Collection method: clinical testing. Allele origin: germline.
Comment: The p.Q1616K variant (also known as c.4846C>A), located in coding exon 36 of the TSC2 gene, results from a C to A substitution at nucleotide position 4846. The glutamine at codon 1616 is replaced by lysine, an amino acid with similar properties. This amino acid position is conserved. In addition, this alteration is predicted to be deleterious by in silico analysis. Based on the available evidence, the clinical significance of this variant remains unclear.

NM_000548.5(TSC2):c.4846C>A (p.Gln1616Lys)

Gene: TSC2 (TSC complex subunit 2; plus strand). Cytogenetic location: 16p13.3.
Variant type: single nucleotide variant.
Coding change: c.4846C>A on transcript NM_000548.5 (MANE Select); coding-DNA position 4846, C replaced by A.
Protein change: p.Gln1616Lys; replaces glutamine 1616 with lysine.
Molecular consequence: missense variant. On other transcripts: non-coding transcript variant (5).
Genome position (GRCh38, 1-based): chr16:2,086,376, C>A. VCF-style: chr16-2086376-C-A. GRCh37 (hg19) VCF-style: chr16-2136377-C-A.
Other names: c.4045C>A, p.Gln1349Lys (NM_001406687.1, NM_001406688.1); c.3433C>A, p.Gln1145Lys (NM_001406689.1); c.3373C>A, p.Gln1125Lys (NM_001406690.1); c.3370C>A, p.Gln1124Lys (NM_001406691.1); c.3304C>A, p.Gln1102Lys (NM_001406692.1, NM_001406693.1, NM_001406694.1); c.3301C>A, p.Gln1101Lys (NM_001406695.1, NM_001406696.1, NM_001406697.1); c.3043C>A, p.Gln1015Lys (NM_001406698.1); c.4717C>A, p.Gln1573Lys (NM_021055.3, NM_001370405.1); and 26 more; short protein forms Q1372K, Q1393K, Q1416K, Q1500K, Q1549K, Q1550K, Q1556K, Q1579K.
Identifiers: ClinVar variation 4556794 (VCV004556794.1).
Genomic context (GRCh38, chr16:2,086,376, plus strand): 5'-GGCCTGGACGTGTGTGGTGAGGACGGCCAGTTCACCTACTGCTGGCACGATGACATCATG[C>A]AAGGTACGGCCTGGCGCCTACCCGCTCCTGCTGCCCCAGGCCTCAGGGCACGGCTCCCAT-3'
Protein context (NP_000539.2, residues 1606-1626): FTYCWHDDIM[Gln1616Lys]AVFHIATLMP